The following is an entry in ClinVar:

ClinVar aggregate classification (germline): Uncertain significance (1 of 4 stars; one submission).

Conditions:
Dystonia 12 (DYT12). Also called: DYT-ATP1A3; Rapid-Onset Dystonia-Parkinsonism (RDP). Identifiers: Orphanet 71517, MedGen C1868681, MONDO:0007496, OMIM 128235.

Allele frequency attached by ClinVar (database versions not stated): gnomAD exomes below 0.00001.
gnomAD v4.1: 1 of 1,613,406 alleles (0.000062%); highest among the groups gnomAD compares: Non-Finnish European, 0.000085%; no homozygotes.

Submission:

Labcorp Genetics (formerly Invitae), Labcorp
Classification: Uncertain significance for Dystonia 12. Last evaluated: 2024-11-11. Review status: criteria provided, single submitter. Criteria: Invitae Variant Classification Sherloc (09022015). Collection method: clinical testing. Allele origin: germline.
Comment: This sequence change replaces tyrosine, which is neutral and polar, with phenylalanine, which is neutral and non-polar, at codon 991 of the ATP1A3 protein (p.Tyr991Phe). This variant is not present in population databases (gnomAD no frequency). This variant has not been reported in the literature in individuals affected with ATP1A3-related conditions. ClinVar contains an entry for this variant (Variation ID: 2716035). Invitae Evidence Modeling of protein sequence and biophysical properties (such as structural, functional, and spatial information, amino acid conservation, physicochemical variation, residue mobility, and thermodynamic stability) indicates that this missense variant is expected to disrupt ATP1A3 protein function with a positive predictive value of 95%. In summary, the available evidence is currently insufficient to determine the role of this variant in disease. Therefore, it has been classified as a Variant of Uncertain Significance.

NM_152296.5(ATP1A3):c.2972A>T (p.Tyr991Phe)

Gene: ATP1A3 (ATPase Na+/K+ transporting subunit alpha 3; minus strand). Cytogenetic location: 19q13.2.
Variant type: single nucleotide variant.
Coding change: c.2972A>T on transcript NM_152296.5 (MANE Select); coding-DNA position 2972, A replaced by T.
Protein change: p.Tyr991Phe; replaces tyrosine 991 with phenylalanine.
Molecular consequence: missense variant.
Genome position (GRCh38, 1-based): chr19:41,967,290, T>A on the plus strand (A>T on the coding strand, the complement: ATP1A3 is on the minus strand). VCF-style: chr19-41967290-T-A. GRCh37 (hg19) VCF-style: chr19-42471442-T-A.
Other names: c.3005A>T, p.Tyr1002Phe (NM_001256213.2); c.3011A>T, p.Tyr1004Phe (NM_001256214.2); short protein forms Y1002F, Y1004F, Y991F.
Identifiers: ClinVar variation 2716035 (VCV002716035.3), dbSNP rs1568851975, ClinGen allele CA406035080.